The following is an entry in ClinVar:

ClinVar aggregate classification (germline): Benign/Likely benign. Review status: criteria provided, multiple submitters, no conflicts (2 of 4 stars). 15 submissions from 12 submitters: Benign (6); Likely benign (6). 3 of the submissions do not count toward it. Last evaluated 2026-01-09.

Conditions:
Dilated cardiomyopathy 1G (CMD1G). Identifiers: Orphanet 154, MedGen C1858763, MONDO:0011400, OMIM 604145.
Autosomal recessive limb-girdle muscular dystrophy type 2J (LGMDR10). Also called: MUSCULAR DYSTROPHY, LIMB-GIRDLE, AUTOSOMAL RECESSIVE 10; Limb-girdle muscular dystrophy, type 2J. Identifiers: Orphanet 140922, MedGen C1837342, MONDO:0012127, OMIM 608807.
TTN-related disorder. Also called: TTN-related disorders; TTN-related condition; TTN-related disease.
Early-onset myopathy with fatal cardiomyopathy (CMYO5). Also called: CONGENITAL MYOPATHY 5 WITH CARDIOMYOPATHY; Salih Myopathy. Identifiers: Orphanet 289377, MedGen C2673677, MONDO:0012714, OMIM 611705. Disease mechanism: loss of function.
Myopathy, myofibrillar, 9, with early respiratory failure (MFM9). Also called: Myopathy, distal, with early respiratory failure, autosomal dominant; Hereditary myopathy with early respiratory failure; MYOPATHY, PROXIMAL, WITH EARLY RESPIRATORY MUSCLE INVOLVEMENT; EDSTROM MYOPATHY. Identifiers: Orphanet 178464, Orphanet 34521, MedGen C1863599, MONDO:0011362, OMIM 603689.
Tibial muscular dystrophy (TMD). Also called: Udd Distal Myopathy – Tibial Muscular Dystrophy; Tibial muscular dystrophy, tardive; UDD MYOPATHY. Identifiers: Orphanet 609, MedGen C1838244, MONDO:0010870, OMIM 600334.

Allele frequency attached by ClinVar (database versions not stated): ExAC 0.00029; 1000 Genomes Project 30x 0.00031; TOPMed 0.00094; ESP Exome Variant Server 0.00125; 1000 Genomes Project 0.00020; gnomAD 0.00075 and 0.00081.
gnomAD v4.1: 233 of 1,596,980 alleles (0.015%); highest among the groups gnomAD compares: African/African-American, 0.26%; no homozygotes.

Submissions (15):

Labcorp Genetics (formerly Invitae), Labcorp
Classification: Likely benign for Dilated cardiomyopathy 1G; Autosomal recessive limb-girdle muscular dystrophy type 2J. Last evaluated: 2026-01-09. Review status: criteria provided, single submitter. Criteria: Invitae Variant Classification Sherloc (09022015). Collection method: clinical testing. Allele origin: germline.

Women's Health and Genetics/Laboratory Corporation of America, LabCorp
Classification: Likely benign. Last evaluated: 2025-12-12. Review status: criteria provided, single submitter. Criteria: LabCorp Variant Classification Summary - May 2015. Collection method: clinical testing. Allele origin: germline.
Comment: Variant summary: TTN c.16504G>A (p.Ala5502Thr) results in a non-conservative amino acid change located in the I-band region of the encoded protein sequence. Algorithms developed to predict the effect of missense changes on protein structure and function all suggest that this variant is likely to be disruptive. The variant allele was found at a frequency of 0.00024 in 243062 control chromosomes, predominantly at a frequency of 0.0032 within the African or African-American subpopulation in the gnomAD database. The observed variant frequency within African or African-American control individuals in the gnomAD database exceeds the estimated maximal expected allele frequency for disease-causing variants in TTN. c.16504G>A has been observed in individual(s) affected with Arrhythmogenic Right Ventricular Cardiomyopathy/Dysplasia (Fedida_2017). These report(s) do not provide unequivocal conclusions about association of the variant with Dilated Cardiomyopathy. To our knowledge, no experimental evidence demonstrating an impact on protein function has been reported. The following publication have been ascertained in the context of this evaluation (PMID: 28767663). ClinVar contains an entry for this variant (Variation ID: 46668). Based on the evidence outlined above, the variant was classified as likely benign.

Molecular Diagnostic Laboratory for Inherited Cardiovascular Disease, Montreal Heart Institute
Classification: Benign. Last evaluated: 2025-04-09. Review status: criteria provided, single submitter. Criteria: ACMG Guidelines, 2015. Collection method: clinical testing. Allele origin: germline. Affected: no.
Comment: BS1;BP1;BP6

Blueprint Genetics
Classification: Likely benign. Last evaluated: 2024-11-11. Review status: criteria provided, single submitter. Criteria: ACMG Guidelines, 2015. Collection method: clinical testing. Allele origin: germline.

Genome-Nilou Lab
Classification: Benign for Autosomal recessive limb-girdle muscular dystrophy type 2J. Last evaluated: 2021-09-10. Review status: criteria provided, single submitter. Criteria: ACMG Guidelines, 2015. Collection method: clinical testing. Allele origin: germline. Affected: no.

Genome-Nilou Lab
Classification: Benign for Myopathy, myofibrillar, 9, with early respiratory failure. Last evaluated: 2021-09-10. Review status: criteria provided, single submitter. Criteria: ACMG Guidelines, 2015. Collection method: clinical testing. Allele origin: germline. Affected: no.

Genome-Nilou Lab
Classification: Benign for Early-onset myopathy with fatal cardiomyopathy. Last evaluated: 2021-09-10. Review status: criteria provided, single submitter. Criteria: ACMG Guidelines, 2015. Collection method: clinical testing. Allele origin: germline. Affected: no.

Genome-Nilou Lab
Classification: Benign for Tibial muscular dystrophy. Last evaluated: 2021-09-10. Review status: criteria provided, single submitter. Criteria: ACMG Guidelines, 2015. Collection method: clinical testing. Allele origin: germline. Affected: no.

GeneDx
Classification: Likely benign. Last evaluated: 2021-02-17. Review status: criteria provided, single submitter. Criteria: GeneDx Variant Classification Process June 2021. Collection method: clinical testing. Allele origin: germline. Affected: yes.

Athena Diagnostics
Classification: Benign. Last evaluated: 2016-10-28. Review status: criteria provided, single submitter. Criteria: Athena Diagnostics Criteria. Collection method: clinical testing. Allele origin: germline.

Eurofins Ntd Llc (ga)
Classification: Likely benign. Last evaluated: 2015-08-21. Review status: criteria provided, single submitter. Criteria: EGL Classification Definitions 2015. Collection method: clinical testing. Allele origin: germline. Observed: 2 variant alleles, 2 heterozygotes.

Laboratory for Molecular Medicine, Mass General Brigham Personalized Medicine
Classification: Likely benign. Last evaluated: 2012-01-24. Review status: criteria provided, single submitter. Criteria: LMM Criteria. Collection method: clinical testing. Allele origin: germline. Observed: 2 variant alleles.
Comment: Ala5502Thr in exon 66 of TTN: This variant is not expected to have clinical sign ificance because it has been identified in 0.4% (12/3120) of African American ch romosomes by the NHLBI Exome Sequencing Project in a broad population (s.). Ala5502Thr in exon 66 of TTN (allele frequency = 0.4% , 12/3120) **

PreventionGenetics, part of Exact Sciences
Classification: Likely benign for TTN-related condition. Last evaluated: 2021-01-27. Review status: no assertion criteria provided. Collection method: clinical testing. Allele origin: germline. Not counted in ClinVar's aggregate classification.
Comment: This variant is classified as likely benign based on ACMG/AMP sequence variant interpretation guidelines (Richards et al. 2015 PMID: 25741868, with internal and published modifications).

Clinical Genetics, Academic Medical Center
Classification: Benign. Review status: no assertion criteria provided. Collection method: clinical testing. Allele origin: germline. Affected: yes. Study: VKGL Data-share Consensus. Not counted in ClinVar's aggregate classification.

Laboratory of Diagnostic Genome Analysis, Leiden University Medical Center (LUMC)
Classification: Likely benign. Review status: no assertion criteria provided. Collection method: clinical testing. Allele origin: germline. Affected: yes. Study: VKGL Data-share Consensus. Not counted in ClinVar's aggregate classification.

Literature cited by the submitters: PubMed 28767663 (cited by Women's Health and Genetics/Laboratory Corporation of America, LabCorp).

NM_001267550.2(TTN):c.20236G>A (p.Ala6746Thr)

Genes: TTN (titin; minus strand), LOC126806429 (BRD4-independent group 4 enhancer GRCh37_chr2:179591393-179592592; plus strand). Cytogenetic location: 2q31.2.
Variant type: single nucleotide variant.
Coding change: c.20236G>A on transcript NM_001267550.2 (MANE Select); coding-DNA position 20236, G replaced by A.
Protein change: p.Ala6746Thr; replaces alanine 6746 with threonine.
Molecular consequence: missense variant. On other transcripts: intron variant (3).
Genome position (GRCh38, 1-based): chr2:178,727,129, C>T on the plus strand (G>A on the coding strand, the complement: TTN is on the minus strand). VCF-style: chr2-178727129-C-T. GRCh37 (hg19) VCF-style: chr2-179591856-C-T.
Other names: c.19285G>A, p.Ala6429Thr (NM_001256850.1); c.16504G>A, p.Ala5502Thr (NM_133378.4); c.13282+10953G>A (NM_003319.4); c.13858+10953G>A (NM_133437.4); c.13657+10953G>A (NM_133432.3); short protein forms A6746T, A5502T, A6429T.
Identifiers: ClinVar variation 46668 (VCV000046668.30), dbSNP rs202108224, ClinGen allele CA138904.